The following is an entry in ClinVar:

ClinVar aggregate classification (germline): Benign. Review status: criteria provided, multiple submitters, no conflicts (2 of 4 stars). 3 submissions from 3 submitters: Benign (2). 1 of the submissions does not count toward it. Last evaluated 2023-06-29.

Conditions:
F8-related disorder. Also called: F8-related condition.

Allele frequency attached by ClinVar (database versions not stated): gnomAD exomes 0.00101; ExAC 0.00121; 1000 Genomes Project 30x 0.00187; 1000 Genomes Project 0.00238; gnomAD 0.00335 and 0.00371; TOPMed 0.00391; ESP Exome Variant Server 0.00436.
gnomAD v4.1: 797 of 1,202,977 alleles (0.066%); highest among the groups gnomAD compares: African/African-American, 1.2%; 3 homozygotes.

Submissions (3):

ARUP Laboratories, Molecular Genetics and Genomics, ARUP Laboratories
Classification: Benign. Last evaluated: 2023-06-29. Review status: criteria provided, single submitter. Criteria: ARUP Molecular Germline Variant Investigation Process 2024. Collection method: clinical testing. Allele origin: germline.

Labcorp Genetics (formerly Invitae), Labcorp
Classification: Benign. Last evaluated: 2018-09-09. Review status: criteria provided, single submitter. Criteria: Invitae Variant Classification Sherloc (09022015). Collection method: clinical testing. Allele origin: germline.

PreventionGenetics, part of Exact Sciences
Classification: Likely benign for F8-related condition. Last evaluated: 2023-07-26. Review status: no assertion criteria provided. Collection method: clinical testing. Allele origin: germline. Not counted in ClinVar's aggregate classification.
Comment: This variant is classified as likely benign based on ACMG/AMP sequence variant interpretation guidelines (Richards et al. 2015 PMID: 25741868, with internal and published modifications).

NM_000132.4(F8):c.3621C>T (p.His1207=)

Gene: F8 (coagulation factor VIII; minus strand). Cytogenetic location: Xq28.
Variant type: single nucleotide variant.
Coding change: c.3621C>T on transcript NM_000132.4 (MANE Select); coding-DNA position 3621, C replaced by T.
Protein change: p.His1207=; no amino-acid change (histidine 1207 retained).
Molecular consequence: synonymous variant.
Genome position (GRCh38, 1-based): chrX:154,930,169, G>A on the plus strand (C>T on the coding strand, the complement: F8 is on the minus strand). VCF-style: chrX-154930169-G-A. GRCh37 (hg19) VCF-style: chrX-154158444-G-A.
Identifiers: ClinVar variation 439685 (VCV000439685.16), dbSNP rs28370212, ClinGen allele CA10568192.